The following is an entry in ClinVar:

NM_001378964.1(CDON):c.1663C>T (p.Pro555Ser)

Gene: CDON (cell adhesion associated, oncogene regulated; minus strand). Cytogenetic location: 11q24.2.
Variant type: single nucleotide variant.
Coding change: c.1663C>T on transcript NM_001378964.1 (MANE Select); coding-DNA position 1663, C replaced by T.
Protein change: p.Pro555Ser; replaces proline 555 with serine.
Molecular consequence: missense variant.
Genome position (GRCh38, 1-based): chr11:126,005,947, G>A on the plus strand (C>T on the coding strand, the complement: CDON is on the minus strand). VCF-style: chr11-126005947-G-A. GRCh37 (hg19) VCF-style: chr11-125875842-G-A.
Other names: c.1663C>T, p.Pro555Ser (NM_001243597.3, NM_016952.6); short protein forms P555S.
Identifiers: ClinVar variation 432798 (VCV000432798.3), dbSNP rs1555124296, ClinGen allele CA383208906.

ClinVar aggregate classification (germline): Uncertain significance (1 of 4 stars; one submission).

Submission:

GeneDx
Classification: Uncertain significance. Last evaluated: 2023-01-11. Review status: criteria provided, single submitter. Criteria: GeneDx Variant Classification Process June 2021. Collection method: clinical testing. Allele origin: germline. Affected: yes.
Comment: Not observed at significant frequency in large population cohorts (gnomAD); In silico analysis supports that this missense variant does not alter protein structure/function; Has not been previously published as pathogenic or benign to our knowledge